The following is an entry in ClinVar:

NM_005120.3(MED12):c.5660G>A (p.Gly1887Asp)

Gene: MED12 (mediator complex subunit 12; plus strand). Cytogenetic location: Xq13.1.
Variant type: single nucleotide variant.
Coding change: c.5660G>A on transcript NM_005120.3 (MANE Select); coding-DNA position 5660, G replaced by A.
Protein change: p.Gly1887Asp; replaces glycine 1887 with aspartic acid.
Molecular consequence: missense variant.
Genome position (GRCh38, 1-based): chrX:71,137,295, G>A. VCF-style: chrX-71137295-G-A. GRCh37 (hg19) VCF-style: chrX-70357145-G-A.
Other names: short protein forms G1887D.
Identifiers: ClinVar variation 2114263 (VCV002114263.4), dbSNP rs2519714125, ClinGen allele CA413537061.
Genomic context (GRCh38, chrX:71,137,295, plus strand): 5'-AGCTGCCCACCCGACCAACTTACCCTGGAGTGCTGCCCACAACCATGACTGGCGTCATGG[G>A]TTTAGAACCCTCCTCTTATAAGACCTCTGTGTACCGGCAGCAGCAACCTGCGGTGCCCCA-3'
Protein context (NP_005111.2, residues 1877-1897): VLPTTMTGVM[Gly1887Asp]LEPSSYKTSV

ClinVar aggregate classification (germline): Uncertain significance (1 of 4 stars; one submission).

Conditions:
FG syndrome (FGS). Identifiers: MedGen C0220769, MONDO:0002010.

Submission:

Labcorp Genetics (formerly Invitae), Labcorp
Classification: Uncertain significance for FG syndrome. Last evaluated: 2022-12-31. Review status: criteria provided, single submitter. Criteria: Invitae Variant Classification Sherloc (09022015). Collection method: clinical testing. Allele origin: germline.
Comment: In summary, the available evidence is currently insufficient to determine the role of this variant in disease. Therefore, it has been classified as a Variant of Uncertain Significance. Advanced modeling of protein sequence and biophysical properties (such as structural, functional, and spatial information, amino acid conservation, physicochemical variation, residue mobility, and thermodynamic stability) performed at Invitae indicates that this missense variant is not expected to disrupt MED12 protein function. This variant has not been reported in the literature in individuals affected with MED12-related conditions. This variant is not present in population databases (gnomAD no frequency). This sequence change replaces glycine, which is neutral and non-polar, with aspartic acid, which is acidic and polar, at codon 1887 of the MED12 protein (p.Gly1887Asp).